The following is an entry in ClinVar:

NM_032608.7(MYO18B):c.7142G>A (p.Arg2381His)

Gene: MYO18B (myosin XVIIIB; plus strand). Cytogenetic location: 22q12.1.
Variant type: single nucleotide variant.
Coding change: c.7142G>A on transcript NM_032608.7 (MANE Select); coding-DNA position 7142, G replaced by A.
Protein change: p.Arg2381His; replaces arginine 2381 with histidine.
Molecular consequence: missense variant.
Genome position (GRCh38, 1-based): chr22:26,027,116, G>A. VCF-style: chr22-26027116-G-A. GRCh37 (hg19) VCF-style: chr22-26423082-G-A.
Other names: c.7145G>A, p.Arg2382His (NM_001318245.2); short protein forms R2381H, R2382H.
Identifiers: ClinVar variation 1467736 (VCV001467736.4), dbSNP rs200567905, ClinGen allele CA10161701.
Genomic context (GRCh38, chr22:26,027,116, plus strand): 5'-TGGGGAGAAAACTGAGCTCTCCGACCACACCCAGGGACATGCTGTTGTCGCCCACACTGC[G>A]TCCTCGGAGGCGGTGTCTGGAGTCCTCTGTGGACGATGCGGGCTGTCCAGACCTTGGAAA-3'
Protein context (NP_115997.5, residues 2371-2391): PRDMLLSPTL[Arg2381His]PRRRCLESSV

ClinVar aggregate classification (germline): Uncertain significance. Review status: criteria provided, multiple submitters, no conflicts (2 of 4 stars). 2 submissions from 2 submitters: Uncertain significance (2). Last evaluated 2025-06-02.

Conditions:
Klippel-Feil anomaly-myopathy-facial dysmorphism syndrome. Also called: Klippel-feil syndrome 4, autosomal recessive, with nemaline myopathy and facial dysmorphism; Klippel-Feil syndrome 4, autosomal recessive, with myopathy and facial dysmorphism. Identifiers: Orphanet 447974, MedGen C4225285, MONDO:0014689, OMIM 616549.

Allele frequency attached by ClinVar (database versions not stated): ESP Exome Variant Server 0.00008; 1000 Genomes Project 30x 0.00016; gnomAD exomes 0.00035 and 0.00019; gnomAD 0.00017 and 0.00016; ExAC 0.00014; TOPMed 0.00015; 1000 Genomes Project 0.00040.
gnomAD v4.1: 521 of 1,613,948 alleles (0.032%); highest among the groups gnomAD compares: Non-Finnish European, 0.041%; no homozygotes.

Submissions (2):

Revvity Omics, Revvity
Classification: Uncertain significance for Klippel-Feil anomaly-myopathy-facial dysmorphism syndrome. Last evaluated: 2025-06-02. Review status: criteria provided, single submitter. Criteria: ACMG Guidelines, 2015. Collection method: clinical testing. Allele origin: germline.

Labcorp Genetics (formerly Invitae), Labcorp
Classification: Uncertain significance. Last evaluated: 2022-07-23. Review status: criteria provided, single submitter. Criteria: Invitae Variant Classification Sherloc (09022015). Collection method: clinical testing. Allele origin: germline.
Comment: This sequence change replaces arginine, which is basic and polar, with histidine, which is basic and polar, at codon 2381 of the MYO18B protein (p.Arg2381His). This variant is present in population databases (rs200567905, gnomAD 0.03%). This variant has not been reported in the literature in individuals affected with MYO18B-related conditions. ClinVar contains an entry for this variant (Variation ID: 1467736). Algorithms developed to predict the effect of missense changes on protein structure and function are either unavailable or do not agree on the potential impact of this missense change (SIFT: "Not Available"; PolyPhen-2: "Benign"; Align-GVGD: "Not Available"). In summary, the available evidence is currently insufficient to determine the role of this variant in disease. Therefore, it has been classified as a Variant of Uncertain Significance.